The following is an entry in ClinVar:

ClinVar aggregate classification (germline): Likely benign (1 of 4 stars; one submission).

Submission:

CeGaT Center for Human Genetics Tuebingen
Classification: Likely benign. Last evaluated: 2024-10-01. Review status: criteria provided, single submitter. Criteria: CeGaT Center For Human Genetics Tuebingen Variant Classification Criteria Version 2. Collection method: clinical testing. Allele origin: germline. Affected: yes. Observed: 1 variant allele.
Comment: LILRB2: BS2

NM_001080978.4(LILRB2):c.165C>T (p.Ala55=)

Genes: LILRB2 (leukocyte immunoglobulin like receptor B2; minus strand), LOC126862931 (CDK7 strongly-dependent group 2 enhancer GRCh37_chr19:54782879-54784078; plus strand). Cytogenetic location: 19q13.42.
Variant type: single nucleotide variant.
Coding change: c.165C>T on transcript NM_001080978.4 (MANE Select); coding-DNA position 165, C replaced by T.
Protein change: p.Ala55=; no amino-acid change (alanine 55 retained).
Molecular consequence: synonymous variant. On other transcripts: non-coding transcript variant (1), intron variant (1).
Genome position (GRCh38, 1-based): chr19:54,279,981, G>A on the plus strand (C>T on the coding strand, the complement: LILRB2 is on the minus strand). VCF-style: chr19-54279981-G-A. GRCh37 (hg19) VCF-style: chr19-54783836-G-A.
Other names: c.165C>T, p.Ala55= (NM_001278403.3, NM_001278405.2, NM_001278406.2 and 1 more transcripts); c.-163-21C>T (NM_001278404.3).
Identifiers: ClinVar variation 3388225 (VCV003388225.14).